The following is an entry in ClinVar:

ClinVar aggregate classification (germline): Uncertain significance (0 of 4 stars; one submission).

Conditions:
NBAS-related disorder. Also called: NBAS-related condition.

Allele frequency attached by ClinVar (database versions not stated): gnomAD exomes below 0.00001.
gnomAD v4.1: 1 of 1,613,342 alleles (0.000062%); highest among the groups gnomAD compares: Non-Finnish European, 0.000085%; no homozygotes.

Submission:

PreventionGenetics, part of Exact Sciences
Classification: Uncertain significance for NBAS-related condition. Last evaluated: 2024-02-21. Review status: no assertion criteria provided. Collection method: clinical testing. Allele origin: germline.
Comment: The NBAS c.5770A>G variant is predicted to result in the amino acid substitution p.Thr1924Ala. To our knowledge, this variant has not been reported in the literature or in a large population database, indicating this variant is rare. At this time, the clinical significance of this variant is uncertain due to the absence of conclusive functional and genetic evidence.

NM_015909.4(NBAS):c.5770A>G (p.Thr1924Ala)

Gene: NBAS (NBAS subunit of NRZ tethering complex; minus strand). Cytogenetic location: 2p24.3.
Variant type: single nucleotide variant.
Coding change: c.5770A>G on transcript NM_015909.4 (MANE Select); coding-DNA position 5770, A replaced by G.
Protein change: p.Thr1924Ala; replaces threonine 1924 with alanine.
Molecular consequence: missense variant. On other transcripts: non-coding transcript variant (1).
Genome position (GRCh38, 1-based): chr2:15,238,641, T>C on the plus strand (A>G on the coding strand, the complement: NBAS is on the minus strand). VCF-style: chr2-15238641-T-C. GRCh37 (hg19) VCF-style: chr2-15378765-T-C.
Other names: short protein forms T1924A.
Identifiers: ClinVar variation 3061178 (VCV003061178.2), dbSNP rs2528289435, ClinGen allele CA345892057.